The following is an entry in ClinVar:

ClinVar aggregate classification (germline): Likely benign (1 of 4 stars; one submission).

Conditions:
COL11A1-related disorder. Also called: COL11A1-related condition; COL11A1-related disorders.

Submission:

PreventionGenetics, part of Exact Sciences
Classification: Likely benign for COL11A1-related condition. Last evaluated: 2024-12-13. Review status: criteria provided, single submitter. Criteria: ACMG Guidelines, 2015. Collection method: clinical testing. Allele origin: germline.
Comment: This variant is classified as likely benign based on ACMG/AMP sequence variant interpretation guidelines (Richards et al. 2015 PMID: 25741868, with internal and published modifications).

NM_001854.4(COL11A1):c.4303-6A>C

Gene: COL11A1 (collagen type XI alpha 1 chain; minus strand). Cytogenetic location: 1p21.1.
Variant type: single nucleotide variant.
Coding change: c.4303-6A>C on transcript NM_001854.4 (MANE Select); 6 bases into the intron before coding-DNA position 4303, A replaced by C.
Molecular consequence: intron variant.
Genome position (GRCh38, 1-based): chr1:102,890,510, T>G on the plus strand (A>C on the coding strand, the complement: COL11A1 is on the minus strand). VCF-style: chr1-102890510-T-G. GRCh37 (hg19) VCF-style: chr1-103356066-T-G.
Other names: c.4186-6A>C (NM_001190709.2); c.4339-6A>C (NM_080629.3); c.3955-6A>C (NM_080630.4).
Identifiers: ClinVar variation 4997623 (VCV004997623.1).